The following is an entry in ClinVar:

NM_004859.4(CLTC):c.626A>G (p.Asn209Ser)

Gene: CLTC (clathrin heavy chain; plus strand). Cytogenetic location: 17q23.1.
Variant type: single nucleotide variant.
Coding change: c.626A>G on transcript NM_004859.4 (MANE Select); coding-DNA position 626, A replaced by G.
Protein change: p.Asn209Ser; replaces asparagine 209 with serine.
Molecular consequence: missense variant.
Genome position (GRCh38, 1-based): chr17:59,648,346, A>G. VCF-style: chr17-59648346-A-G. GRCh37 (hg19) VCF-style: chr17-57725707-A-G.
Other names: c.638A>G, p.Asn213Ser (NM_001288653.2); short protein forms N209S, N213S.
Identifiers: ClinVar variation 2412978 (VCV002412978.3), dbSNP rs2509362488, ClinGen allele CA400421150.

ClinVar aggregate classification (germline): Uncertain significance (1 of 4 stars; one submission).

Allele frequency attached by ClinVar (database versions not stated): gnomAD exomes below 0.00001.
gnomAD v4.1: 1 of 1,614,190 alleles (0.000062%); highest among the groups gnomAD compares: East Asian, 0.0022%; no homozygotes.

Submission:

GeneDx
Classification: Uncertain significance. Last evaluated: 2022-07-23. Review status: criteria provided, single submitter. Criteria: GeneDx Variant Classification Process June 2021. Collection method: clinical testing. Allele origin: germline. Affected: yes.
Comment: Not observed at significant frequency in large population cohorts (gnomAD); In silico analysis supports that this missense variant does not alter protein structure/function; Has not been previously published as pathogenic or benign to our knowledge